The following is an entry in ClinVar:

ClinVar aggregate classification (germline): Likely benign (1 of 4 stars; one submission).

Conditions:
CFAP57-related disorder. Also called: CFAP57-related condition.

gnomAD v4.1: 327 of 1,551,204 alleles (0.021%); highest among the groups gnomAD compares: Middle Eastern, 0.05%; no homozygotes.

Submission:

PreventionGenetics, part of Exact Sciences
Classification: Likely benign for CFAP57-related condition. Last evaluated: 2024-11-10. Review status: criteria provided, single submitter. Criteria: ACMG Guidelines, 2015. Collection method: clinical testing. Allele origin: germline.
Comment: This variant is classified as likely benign based on ACMG/AMP sequence variant interpretation guidelines (Richards et al. 2015 PMID: 25741868, with internal and published modifications).

NM_001378189.1(CFAP57):c.2030G>A (p.Arg677Gln)

Genes: CFAP57 (cilia and flagella associated protein 57; plus strand), EBNA1BP2 (EBNA1 binding protein 2; minus strand), LOC105378685 (uncharacterized LOC105378685; minus strand). Cytogenetic location: 1p34.2.
Variant type: single nucleotide variant.
Coding change: c.2030G>A on transcript NM_001378189.1 (MANE Select); coding-DNA position 2030, G replaced by A.
Protein change: p.Arg677Gln; replaces arginine 677 with glutamine.
Molecular consequence: missense variant.
Genome position (GRCh38, 1-based): chr1:43,215,355, G>A. VCF-style: chr1-43215355-G-A. GRCh37 (hg19) VCF-style: chr1-43681026-G-A.
Other names: c.2030G>A, p.Arg677Gln (NM_001195831.3); short protein forms R677Q.
Identifiers: ClinVar variation 5001960 (VCV005001960.1).